The following is an entry in ClinVar:

ClinVar aggregate classification (germline): Pathogenic/Likely pathogenic. Review status: criteria provided, multiple submitters, no conflicts (2 of 4 stars). 2 submissions from 2 submitters: Pathogenic (1); Likely pathogenic (1). Last evaluated 2024-05-07.

Conditions:
Microcephaly 1, primary, autosomal recessive (MCPH1). Also called: PREMATURE CHROMOSOME CONDENSATION SYNDROME; PCC SYNDROME; PREMATURE CHROMOSOME CONDENSATION WITH MICROCEPHALY AND MENTAL RETARDATION. Identifiers: Orphanet 2512, MedGen C1855081, MONDO:0009617, OMIM 251200.

Allele frequency attached by ClinVar (database versions not stated): gnomAD exomes below 0.00001.
gnomAD v4.1: 1 of 1,614,126 alleles (0.000062%); highest among the groups gnomAD compares: South Asian, 0.0011%; no homozygotes.

Submissions (2):

Fulgent Genetics
Classification: Likely pathogenic for Microcephaly 1, primary, autosomal recessive. Last evaluated: 2024-05-07. Review status: criteria provided, single submitter. Criteria: ACMG Guidelines, 2015. Collection method: clinical testing. Allele origin: germline.

Labcorp Genetics (formerly Invitae), Labcorp
Classification: Pathogenic. Last evaluated: 2023-03-27. Review status: criteria provided, single submitter. Criteria: Invitae Variant Classification Sherloc (09022015). Collection method: clinical testing. Allele origin: germline.
Comment: This sequence change creates a premature translational stop signal (p.Gly245*) in the MCPH1 gene. It is expected to result in an absent or disrupted protein product. Loss-of-function variants in MCPH1 are known to be pathogenic (PMID: 20978018). This variant is not present in population databases (gnomAD no frequency). This variant has not been reported in the literature in individuals affected with MCPH1-related conditions. For these reasons, this variant has been classified as Pathogenic.

Literature cited by the submitters: PubMed 20978018 (cited by Labcorp Genetics (formerly Invitae), Labcorp).

NM_024596.5(MCPH1):c.733G>T (p.Gly245Ter)

Gene: MCPH1 (microcephalin 1; plus strand). Cytogenetic location: 8p23.1.
Variant type: single nucleotide variant.
Coding change: c.733G>T on transcript NM_024596.5 (MANE Select); coding-DNA position 733, G replaced by T.
Protein change: p.Gly245Ter; replaces glycine 245 with a stop codon.
Molecular consequence: nonsense. On other transcripts: non-coding transcript variant (1).
Genome position (GRCh38, 1-based): chr8:6,444,455, G>T. VCF-style: chr8-6444455-G-T. GRCh37 (hg19) VCF-style: chr8-6301976-G-T.
Other names: c.733G>T, p.Gly245Ter (NM_001172574.2, NM_001322042.2, NM_001363979.1 and 3 more transcripts); c.589G>T, p.Gly197Ter (NM_001172575.2); c.727G>T, p.Gly243Ter (NM_001322043.2); c.631G>T, p.Gly211Ter (NM_001322045.2); short protein forms G245*, G197*, G211*, G243*.
Identifiers: ClinVar variation 2850164 (VCV002850164.4), dbSNP rs1803966174, ClinGen allele CA370219534.